The following is an entry in ClinVar:

NM_000426.4(LAMA2):c.6708-201T>A

Gene: LAMA2 (laminin subunit alpha 2; plus strand). Cytogenetic location: 6q22.33.
Variant type: single nucleotide variant.
Coding change: c.6708-201T>A on transcript NM_000426.4 (MANE Select); 201 bases into the intron before coding-DNA position 6708, T replaced by A.
Molecular consequence: intron variant.
Genome position (GRCh38, 1-based): chr6:129,456,134, T>A. VCF-style: chr6-129456134-T-A. GRCh37 (hg19) VCF-style: chr6-129777279-T-A.
Other names: c.6708-201T>A (NM_001079823.2).
Identifiers: ClinVar variation 678283 (VCV000678283.1), dbSNP rs73777420, ClinGen allele CA146885480.

ClinVar aggregate classification (germline): Likely benign (1 of 4 stars; one submission).

Allele frequency attached by ClinVar (database versions not stated): gnomAD 0.01367 and 0.01475; TOPMed 0.01430; 1000 Genomes Project 0.01797; 1000 Genomes Project 30x 0.01811.
gnomAD v4.1: 2,060 of 152,212 alleles (1.4%); highest among the groups gnomAD compares: African/African-American, 4.7%; 54 homozygotes.

Submission:

GeneDx
Classification: Likely benign. Last evaluated: 2018-06-19. Review status: criteria provided, single submitter. Criteria: GeneDx Variant Classification (06012015). Collection method: clinical testing. Allele origin: germline. Affected: yes.
Comment: This variant is considered likely benign or benign based on one or more of the following criteria: it is a conservative change, it occurs at a poorly conserved position in the protein, it is predicted to be benign by multiple in silico algorithms, and/or has population frequency not consistent with disease.